The following is an entry in ClinVar:

NM_006245.4(PPP2R5D):c.112C>T (p.Pro38Ser)

Gene: PPP2R5D (protein phosphatase 2 regulatory subunit B'delta; plus strand). Cytogenetic location: 6p21.1.
Variant type: single nucleotide variant.
Coding change: c.112C>T on transcript NM_006245.4 (MANE Select); coding-DNA position 112, C replaced by T.
Protein change: p.Pro38Ser; replaces proline 38 with serine.
Molecular consequence: missense variant. On other transcripts: 5 prime UTR variant (1), intron variant (1).
Genome position (GRCh38, 1-based): chr6:43,006,469, C>T. VCF-style: chr6-43006469-C-T. GRCh37 (hg19) VCF-style: chr6-42974207-C-T.
Other names: c.-342C>T (NM_001270476.2); c.112C>T, p.Pro38Ser (NM_180976.3); c.28-465C>T (NM_180977.3); short protein forms P38S.
Identifiers: ClinVar variation 2105749 (VCV002105749.4), dbSNP rs2532471420, ClinGen allele CA364178305.

ClinVar aggregate classification (germline): Uncertain significance (1 of 4 stars; one submission).

Submission:

Labcorp Genetics (formerly Invitae), Labcorp
Classification: Uncertain significance. Last evaluated: 2024-02-11. Review status: criteria provided, single submitter. Criteria: Invitae Variant Classification Sherloc (09022015). Collection method: clinical testing. Allele origin: germline.
Comment: This sequence change replaces proline, which is neutral and non-polar, with serine, which is neutral and polar, at codon 38 of the PPP2R5D protein (p.Pro38Ser). This variant is not present in population databases (gnomAD no frequency). This variant has not been reported in the literature in individuals affected with PPP2R5D-related conditions. ClinVar contains an entry for this variant (Variation ID: 2105749). Algorithms developed to predict the effect of missense changes on protein structure and function output the following: SIFT: "Not Available"; PolyPhen-2: "Benign"; Align-GVGD: "Not Available". The serine amino acid residue is found in multiple mammalian species, which suggests that this missense change does not adversely affect protein function. In summary, the available evidence is currently insufficient to determine the role of this variant in disease. Therefore, it has been classified as a Variant of Uncertain Significance.